The following is an entry in ClinVar:

NM_015909.4(NBAS):c.450C>T (p.Ala150=)

Gene: NBAS (NBAS subunit of NRZ tethering complex; minus strand). Cytogenetic location: 2p24.3.
Variant type: single nucleotide variant.
Coding change: c.450C>T on transcript NM_015909.4 (MANE Select); coding-DNA position 450, C replaced by T.
Protein change: p.Ala150=; no amino-acid change (alanine 150 retained).
Molecular consequence: synonymous variant. On other transcripts: non-coding transcript variant (1).
Genome position (GRCh38, 1-based): chr2:15,539,286, G>A on the plus strand (C>T on the coding strand, the complement: NBAS is on the minus strand). VCF-style: chr2-15539286-G-A. GRCh37 (hg19) VCF-style: chr2-15679410-G-A.
Other names: p.Ala150=; c.450C>T (NM_015909.2).
Identifiers: ClinVar variation 782979 (VCV000782979.36), dbSNP rs147692911, ClinGen allele CA1537052.
Genomic context (GRCh38, chr2:15,539,286, plus strand): 5'-GGAAATGACAAAGAGTTCACTTCCCATGAGATCAAACACCCTCACAGTTCCTGTGCTTTC[G>A]GCATAGGCCAGTAGGGTACAATCGTAACTCCATGCTACCCGTCTCCACTGGGGTTTCGGG-3'
Protein context (NP_056993.2, residues 140-160): WSYDCTLLAY[Ala150=]ESTGTVRVFD

ClinVar aggregate classification (germline): Likely benign. Review status: criteria provided, multiple submitters, no conflicts (2 of 4 stars). 8 submissions from 8 submitters: Likely benign (5). 3 of the submissions do not count toward it. Last evaluated 2026-06-01.

Conditions:
NBAS-related disorder. Also called: NBAS-related condition.
Inborn genetic diseases. Identifiers: MedGen C0950123, MeSH D030342.

Allele frequency attached by ClinVar (database versions not stated): 1000 Genomes Project 30x 0.00031; ESP Exome Variant Server 0.00038; 1000 Genomes Project 0.00040; ExAC 0.00046; gnomAD 0.00048 and 0.00049; gnomAD exomes 0.00049 and 0.00080; TOPMed 0.00063.
gnomAD v4.1: 1,219 of 1,614,110 alleles (0.076%); highest among the groups gnomAD compares: Non-Finnish European, 0.094%; no homozygotes.

Submissions (8):

CeGaT Center for Human Genetics Tuebingen
Classification: Likely benign. Last evaluated: 2026-06-01. Review status: criteria provided, single submitter. Criteria: CeGaT Center For Human Genetics Tuebingen Variant Classification Criteria Version 2. Collection method: clinical testing. Allele origin: germline. Affected: yes. Observed: 4 variant alleles.
Comment: NBAS: BP4, BP7

Labcorp Genetics (formerly Invitae), Labcorp
Classification: Likely benign. Last evaluated: 2026-01-29. Review status: criteria provided, single submitter. Criteria: Invitae Variant Classification Sherloc (09022015). Collection method: clinical testing. Allele origin: germline.

Blueprint Genetics
Classification: Likely benign. Last evaluated: 2024-08-08. Review status: criteria provided, single submitter. Criteria: ACMG Guidelines, 2015. Collection method: clinical testing. Allele origin: germline.

Ambry Genetics
Classification: Likely benign for Inborn genetic diseases. Last evaluated: 2024-04-15. Review status: criteria provided, single submitter. Criteria: Ambry Variant Classification Scheme 2023. Collection method: clinical testing. Allele origin: germline.

Mayo Clinic Laboratories, Mayo Clinic
Classification: Likely benign. Last evaluated: 2023-07-19. Review status: criteria provided, single submitter. Criteria: ACMG Guidelines, 2015. Collection method: clinical testing. Allele origin: germline. Observed: 1 variant allele.
Comment: BP4, BP7

PreventionGenetics, part of Exact Sciences
Classification: Likely benign for NBAS-related condition. Last evaluated: 2021-02-02. Review status: no assertion criteria provided. Collection method: clinical testing. Allele origin: germline. Not counted in ClinVar's aggregate classification.
Comment: This variant is classified as likely benign based on ACMG/AMP sequence variant interpretation guidelines (Richards et al. 2015 PMID: 25741868, with internal and published modifications).

Clinical Genetics DNA and cytogenetics Diagnostics Lab, Erasmus MC, Erasmus Medical Center
Classification: Likely benign. Review status: no assertion criteria provided. Collection method: clinical testing. Allele origin: germline. Affected: yes. Study: VKGL Data-share Consensus. Not counted in ClinVar's aggregate classification.

Genome Diagnostics Laboratory, Amsterdam University Medical Center
Classification: Likely benign. Review status: no assertion criteria provided. Collection method: clinical testing. Allele origin: germline. Affected: yes. Study: VKGL Data-share Consensus. Not counted in ClinVar's aggregate classification.